The following is an entry in ClinVar:

ClinVar aggregate classification (germline): Uncertain significance (1 of 4 stars; one submission).

Submission:

Labcorp Genetics (formerly Invitae), Labcorp
Classification: Uncertain significance. Last evaluated: 2022-07-18. Review status: criteria provided, single submitter. Criteria: Invitae Variant Classification Sherloc (09022015). Collection method: clinical testing. Allele origin: germline.
Comment: In summary, the available evidence is currently insufficient to determine the role of this variant in disease. Therefore, it has been classified as a Variant of Uncertain Significance. Algorithms developed to predict the effect of sequence changes on RNA splicing suggest that this variant may create or strengthen a splice site. Algorithms developed to predict the effect of missense changes on protein structure and function are either unavailable or do not agree on the potential impact of this missense change (SIFT: "Deleterious"; PolyPhen-2: "Not Available"; Align-GVGD: "Class C65"). This variant has not been reported in the literature in individuals affected with MYO15A-related conditions. This variant is not present in population databases (gnomAD no frequency). This sequence change replaces leucine, which is neutral and non-polar, with glutamine, which is neutral and polar, at codon 2150 of the MYO15A protein (p.Leu2150Gln).

NM_016239.4(MYO15A):c.6449T>A (p.Leu2150Gln)

Gene: MYO15A (myosin XVA; plus strand). Cytogenetic location: 17p11.2.
Variant type: single nucleotide variant.
Coding change: c.6449T>A on transcript NM_016239.4 (MANE Select); coding-DNA position 6449, T replaced by A.
Protein change: p.Leu2150Gln; replaces leucine 2150 with glutamine.
Molecular consequence: missense variant.
Genome position (GRCh38, 1-based): chr17:18,146,047, T>A. VCF-style: chr17-18146047-T-A. GRCh37 (hg19) VCF-style: chr17-18049361-T-A.
Other names: short protein forms L2150Q.
Identifiers: ClinVar variation 2087123 (VCV002087123.4), dbSNP rs2046474186, ClinGen allele CA398607144.